The following is an entry in ClinVar:

NM_001134363.3(RBM20):c.1831C>T (p.Gln611Ter)

Gene: RBM20 (RNA binding motif protein 20; plus strand). Cytogenetic location: 10q25.2.
Variant type: single nucleotide variant.
Coding change: c.1831C>T on transcript NM_001134363.3 (MANE Select); coding-DNA position 1831, C replaced by T.
Protein change: p.Gln611Ter; replaces glutamine 611 with a stop codon.
Molecular consequence: nonsense.
Genome position (GRCh38, 1-based): chr10:110,810,413, C>T. VCF-style: chr10-110810413-C-T. GRCh37 (hg19) VCF-style: chr10-112570171-C-T.
Other names: short protein forms Q611*.
Identifiers: ClinVar variation 2626074 (VCV002626074.2), dbSNP rs2493468281, ClinGen allele CA378369081.
Genomic context (GRCh38, chr10:110,810,413, plus strand): 5'-ATCTGATGGTGATCTCTCTGACTTTGCTAGAAACCCGGGAAGGCCGTGGCTGCCATCATC[C>T]AGGACATCCATTCCCAGAGGGAGAGGGACATGTTCCGGGAAGCAGACAGGTGAGGCCCCA-3'

ClinVar aggregate classification (germline): Uncertain significance (1 of 4 stars; one submission).

Conditions:
Cardiovascular phenotype. Identifiers: MedGen CN230736.

Submission:

Ambry Genetics
Classification: Uncertain significance for Cardiovascular phenotype. Last evaluated: 2023-06-30. Review status: criteria provided, single submitter. Criteria: Ambry Variant Classification Scheme 2023. Collection method: clinical testing. Allele origin: germline.
Comment: The p.Q611* variant (also known as c.1831C>T), located in coding exon 8 of the RBM20 gene, results from a C to T substitution at nucleotide position 1831. This changes the amino acid from a glutamine to a stop codon within coding exon 8. This alteration is expected to result in protein truncation or nonsense-mediated mRNA decay. However, loss of function of RBM20 has not been established as a mechanism of disease. Since supporting evidence is limited at this time, the clinical significance of this alteration remains unclear.